The following is an entry in ClinVar:

NM_015466.4(PTPN23):c.1571G>A (p.Gly524Asp)

Gene: PTPN23 (protein tyrosine phosphatase non-receptor type 23; plus strand). Cytogenetic location: 3p21.31.
Variant type: single nucleotide variant.
Coding change: c.1571G>A on transcript NM_015466.4 (MANE Select); coding-DNA position 1571, G replaced by A.
Protein change: p.Gly524Asp; replaces glycine 524 with aspartic acid.
Molecular consequence: missense variant.
Genome position (GRCh38, 1-based): chr3:47,409,016, G>A. VCF-style: chr3-47409016-G-A. GRCh37 (hg19) VCF-style: chr3-47450506-G-A.
Other names: c.1193G>A, p.Gly398Asp (NM_001304482.2); short protein forms G398D, G524D.
Identifiers: ClinVar variation 1993109 (VCV001993109.4), dbSNP rs2546246668, ClinGen allele CA352554283.

ClinVar aggregate classification (germline): Uncertain significance (1 of 4 stars; one submission).

Submission:

Labcorp Genetics (formerly Invitae), Labcorp
Classification: Uncertain significance. Last evaluated: 2022-05-11. Review status: criteria provided, single submitter. Criteria: Invitae Variant Classification Sherloc (09022015). Collection method: clinical testing. Allele origin: germline.
Comment: In summary, the available evidence is currently insufficient to determine the role of this variant in disease. Therefore, it has been classified as a Variant of Uncertain Significance. Algorithms developed to predict the effect of missense changes on protein structure and function are either unavailable or do not agree on the potential impact of this missense change (SIFT: "Tolerated"; PolyPhen-2: "Not Available"; Align-GVGD: "Class C0"). This variant has not been reported in the literature in individuals affected with PTPN23-related conditions. This variant is not present in population databases (gnomAD no frequency). This sequence change replaces glycine, which is neutral and non-polar, with aspartic acid, which is acidic and polar, at codon 524 of the PTPN23 protein (p.Gly524Asp).